The following is an entry in ClinVar:

NM_022455.5(NSD1):c.4847A>G (p.His1616Arg)

Gene: NSD1 (nuclear receptor binding SET domain protein 1; plus strand). Cytogenetic location: 5q35.3.
Variant type: single nucleotide variant.
Coding change: c.4847A>G on transcript NM_022455.5 (MANE Select); coding-DNA position 4847, A replaced by G.
Protein change: p.His1616Arg; replaces histidine 1616 with arginine.
Molecular consequence: missense variant.
Genome position (GRCh38, 1-based): chr5:177,257,032, A>G. VCF-style: chr5-177257032-A-G. GRCh37 (hg19) VCF-style: chr5-176684033-A-G.
Other names: c.3974A>G, p.His1325Arg (NM_001409308.1, NM_001409309.1, NM_172349.5 and 1 more transcripts); c.4847A>G, p.His1616Arg (NM_001409301.1, NM_001409302.1, NM_001409303.1); c.4427A>G, p.His1476Arg (NM_001409304.1); c.4094A>G, p.His1365Arg (NM_001409305.1); c.4085A>G, p.His1362Arg (NM_001409306.1, NM_001409307.1); short protein forms H1347R, H1616R, H1325R, H1362R, H1365R, H1476R.
Identifiers: ClinVar variation 840198 (VCV000840198.26), dbSNP rs1756522180, ClinGen allele CA362355354.

ClinVar aggregate classification (germline): Pathogenic. Review status: criteria provided, multiple submitters, no conflicts (2 of 4 stars). 4 submissions from 4 submitters: Pathogenic (4). Last evaluated 2024-10-18.

Conditions:
Sotos syndrome (SOTOS). Also called: Sotos' syndrome; SOTOS SYNDROME 1; Distinctive facial appearance, overgrowth in childhood, and learning disabilities or delayed development; CEREBRAL GIGANTISM; CHROMOSOME 5q35 DELETION SYNDROME. Identifiers: Orphanet 821, MedGen C0175695, MONDO:0019349, OMIM 117550.

Submissions (4):

3billion
Classification: Pathogenic for Sotos syndrome. Last evaluated: 2024-10-18. Review status: criteria provided, single submitter. Criteria: ACMG Guidelines, 2015. Collection method: clinical testing. Allele origin: germline. Affected: yes.
Comment: The variant is not observed in the gnomAD v4.1.0 dataset. Predicted Consequence/Location: The variant is located in a mutational hot spot and/or well-established functional domain in which established pathogenic variants have been reported (PMID: 12464997). In silico tool predictions suggest damaging effect of the variant on gene or gene product [REVEL: 0.97 (>=0.6, sensitivity 0.68 and specificity 0.92); 3Cnet: 0.99 (>=0.6, sensitivity 0.72 and precision 0.9)]. The same nucleotide change resulting in the same amino acid change has been previously reported as pathogenic/likely pathogenic with strong evidence (ClinVar ID: VCV000840198 /PMID: 28475857). The variant has been previously reported as assumed (i.e. paternity and maternity not confirmed) de novo in at least one similarly affected unrelated individual (PMID: 12464997). A different missense change at the same codon (p.His1616Leu) has been reported to be associated with NSD1 related disorder (PMID: 12464997). Therefore, this variant is classified as Pathogenic according to the recommendation of ACMG/AMP guideline.

CeGaT Center for Human Genetics Tuebingen
Classification: Pathogenic. Last evaluated: 2024-07-01. Review status: criteria provided, single submitter. Criteria: CeGaT Center For Human Genetics Tuebingen Variant Classification Criteria Version 2. Collection method: clinical testing. Allele origin: germline. Affected: yes. Observed: 1 variant allele.
Comment: NSD1: PM1, PM2, PM5, PP4:Moderate, PP3, PS4:Supporting

Victorian Clinical Genetics Services, Murdoch Childrens Research Institute
Classification: Pathogenic for Sotos syndrome. Last evaluated: 2023-07-16. Review status: criteria provided, single submitter. Criteria: ACMG Guidelines, 2015. Collection method: clinical testing. Allele origin: germline. Inheritance: Autosomal dominant inheritance. Affected: yes.
Comment: Based on the classification scheme VCGS_Germline_v1.3.4, this variant is classified as Pathogenic. Following criteria are met: 0102 - Loss of function is a known mechanism of disease in this gene and is associated with Sotos syndrome (MIM#117550). (I) 0107 - This gene is associated with autosomal dominant disease. (I) 0200 - Variant is predicted to result in a missense amino acid change from histidine to arginine. (I) 0251 - This variant is heterozygous. (I) 0301 - Variant is absent from gnomAD (both v2 and v3). (SP) 0501 - Missense variant consistently predicted to be damaging by multiple in silico tools or highly conserved with a major amino acid change. (SP) 0601 - Variant is located in the well-established functional consensus zinc binding motif within the PHD domain (NCBI conserved domains, PMID: 12464997). (SP) 0704 - Another missense variant comparable to the one identified in this case has limited previous evidence for pathogenicity. This alternative change (p.(His1616Leu)) has been reported as de novo in a single individual with childhood overgrowth and intellectual disability (PMID: 28475857, PMID: 12464997). (SP) 0802 - This variant has moderate previous evidence of pathogenicity in unrelated individuals. This variant has been reported as pathogenic and observed in at least two individuals with overgrowth syndrome. In one of these individuals, the variant was de novo (ClinVar, PMID: 28475857). (SP) 0905 - No published segregation evidence has been identified for this variant. (I) 1007 - No published functional evidence has been identified for this variant. (I) 1102 - Strong phenotype match for this individual. (SP) Legend: (SP) - Supporting pathogenic, (I) - Information, (SB) - Supporting benign

Labcorp Genetics (formerly Invitae), Labcorp
Classification: Pathogenic. Last evaluated: 2021-08-27. Review status: criteria provided, single submitter. Criteria: Invitae Variant Classification Sherloc (09022015). Collection method: clinical testing. Allele origin: germline.

Literature cited by the submitters: PubMed 28475857 (cited by 3billion and Victorian Clinical Genetics Services, Murdoch Childrens Research Institute); PubMed 12464997 (cited by 3billion and Victorian Clinical Genetics Services, Murdoch Childrens Research Institute).